The following is an entry in ClinVar:

NM_000038.6(APC):c.7375T>A (p.Ser2459Thr)

Gene: APC (APC regulator of Wnt signaling pathway; plus strand). Cytogenetic location: 5q22.2.
Variant type: single nucleotide variant.
Coding change: c.7375T>A on transcript NM_000038.6 (MANE Select); coding-DNA position 7375, T replaced by A.
Protein change: p.Ser2459Thr; replaces serine 2459 with threonine.
Molecular consequence: missense variant.
Genome position (GRCh38, 1-based): chr5:112,842,969, T>A. VCF-style: chr5-112842969-T-A. GRCh37 (hg19) VCF-style: chr5-112178666-T-A.
Other names: c.7375T>A (NM_000038.5); c.7375T>A, p.Ser2459Thr (NM_001127510.3, NM_001354895.2, NM_001407450.1); c.7321T>A, p.Ser2441Thr (NM_001127511.3); c.7429T>A, p.Ser2477Thr (NM_001354896.2, NM_001407447.1, NM_001407448.1 and 1 more transcripts); c.7405T>A, p.Ser2469Thr (NM_001354897.2); c.7300T>A, p.Ser2434Thr (NM_001354898.2); c.7291T>A, p.Ser2431Thr (NM_001354899.2); c.7252T>A, p.Ser2418Thr (NM_001354900.2); and 12 more; short protein forms S2333T, S2358T, S2400T, S2449T, S2176T, S2441T, S2452T, S2459T.
Identifiers: ClinVar variation 1942189 (VCV001942189.5), dbSNP rs1554088287, ClinGen allele CA16037397.

ClinVar aggregate classification (germline): Uncertain significance. Review status: criteria provided, multiple submitters, no conflicts (2 of 4 stars). 2 submissions from 2 submitters: Uncertain significance (2). Last evaluated 2026-01-01.

Conditions:
Hereditary cancer-predisposing syndrome. Also called: Tumor predisposition; Hereditary neoplastic syndrome; Neoplastic Syndromes, Hereditary; Hereditary Cancer Syndrome. Identifiers: Orphanet 140162, MedGen C0027672, MeSH D009386, MONDO:0015356.
Familial adenomatous polyposis 1 (FAP1). Also called: FAMILIAL ADENOMATOUS POLYPOSIS 1, ATTENUATED; POLYPOSIS, ADENOMATOUS INTESTINAL. Identifiers: MedGen C2713442, MONDO:0021056, OMIM 175100. Disease mechanism: loss of function.

gnomAD v4.1: 1 of 1,614,070 alleles (0.000062%); highest among the groups gnomAD compares: Non-Finnish European, 0.000085%; no homozygotes.

Submissions (2):

Labcorp Genetics (formerly Invitae), Labcorp
Classification: Uncertain significance for Familial adenomatous polyposis 1. Last evaluated: 2026-01-01. Review status: criteria provided, single submitter. Criteria: Invitae Variant Classification Sherloc (09022015). Collection method: clinical testing. Allele origin: germline.
Comment: This sequence change replaces serine, which is neutral and polar, with threonine, which is neutral and polar, at codon 2459 of the APC protein (p.Ser2459Thr). This variant is not present in population databases (gnomAD no frequency). This variant has not been reported in the literature in individuals affected with APC-related conditions. ClinVar contains an entry for this variant (Variation ID: 1942189). Invitae Evidence Modeling of protein sequence and biophysical properties (such as structural, functional, and spatial information, amino acid conservation, physicochemical variation, residue mobility, and thermodynamic stability) indicates that this missense variant is not expected to disrupt APC protein function with a negative predictive value of 95%. In summary, the available evidence is currently insufficient to determine the role of this variant in disease. Therefore, it has been classified as a Variant of Uncertain Significance.

Ambry Genetics
Classification: Uncertain significance for Hereditary cancer-predisposing syndrome. Last evaluated: 2025-10-26. Review status: criteria provided, single submitter. Criteria: Ambry Variant Classification Scheme 2023. Collection method: clinical testing. Allele origin: germline.
Comment: The p.S2459T variant (also known as c.7375T>A), located in coding exon 15 of the APC gene, results from a T to A substitution at nucleotide position 7375. The serine at codon 2459 is replaced by threonine, an amino acid with similar properties. This amino acid position is conserved. In addition, in silico predictors for this gene do not accurately predict pathogenicity. Based on the available evidence, the clinical significance of this variant remains unclear.